The following is an entry in ClinVar:

NM_000742.4(CHRNA2):c.572_573delinsTT (p.Pro191Leu)

Gene: CHRNA2 (cholinergic receptor nicotinic alpha 2 subunit; minus strand). Cytogenetic location: 8p21.2.
Variant type: Indel.
Coding change: c.572_573delinsTT on transcript NM_000742.4 (MANE Select); coding-DNA positions 572 to 573, CC replaced by TT.
Protein change: p.Pro191Leu; replaces proline 191 with leucine.
Molecular consequence: missense variant. On other transcripts: intron variant (2).
Genome position (GRCh38, 1-based): chr8:27,463,870-27,463,871, GG replaced by AA on the plus strand (CC replaced by TT on the coding strand, the reverse complement: CHRNA2 is on the minus strand). VCF-style: chr8-27463870-GG-AA. GRCh37 (hg19) VCF-style: chr8-27321387-GG-AA.
Other names: c.527_528delinsTT, p.Pro176Leu (NM_001282455.2); c.95_96delinsTT, p.Pro32Leu (NM_001347705.2, NM_001347706.2); c.-12-11_-12-10delinsTT (NM_001347708.2); c.-9-14_-9-13delinsTT (NM_001347707.2); short protein forms P176L, P191L, P32L.
Identifiers: ClinVar variation 1699566 (VCV001699566.2), dbSNP rs2132654200, ClinGen allele CA2580078100.

ClinVar aggregate classification (germline): Uncertain significance (1 of 4 stars; one submission).

Submission:

GeneDx
Classification: Uncertain significance. Last evaluated: 2022-01-31. Review status: criteria provided, single submitter. Criteria: GeneDx Variant Classification Process June 2021. Collection method: clinical testing. Allele origin: germline. Affected: yes.
Comment: Not observed at significant frequency in large population cohorts (gnomAD); In silico analysis supports a deleterious effect on protein structure/function; Has not been previously published as pathogenic or benign to our knowledge